The following is an entry in ClinVar:

ClinVar aggregate classification (germline): Uncertain significance (1 of 4 stars; one submission).

Conditions:
Perlman syndrome (PRLMNS). Identifiers: Orphanet 2849, MedGen C0796113, MONDO:0009965, OMIM 267000.

Allele frequency attached by ClinVar (database versions not stated): gnomAD 0.00001; TOPMed 0.00002.
gnomAD v4.1: 3 of 1,614,096 alleles (0.00019%); highest among the groups gnomAD compares: Non-Finnish European, 0.00025%; no homozygotes.

Submission:

Labcorp Genetics (formerly Invitae), Labcorp
Classification: Uncertain significance for Perlman syndrome. Last evaluated: 2021-03-24. Review status: criteria provided, single submitter. Criteria: Invitae Variant Classification Sherloc (09022015). Collection method: clinical testing. Allele origin: germline.
Comment: This sequence change replaces valine with methionine at codon 466 of the DIS3L2 protein (p.Val466Met). The valine residue is highly conserved and there is a small physicochemical difference between valine and methionine. This variant is not present in population databases (ExAC no frequency). This variant has not been reported in the literature in individuals with DIS3L2-related conditions. Algorithms developed to predict the effect of missense changes on protein structure and function are either unavailable or do not agree on the potential impact of this missense change (SIFT: "Deleterious"; PolyPhen-2: "Probably Damaging"; Align-GVGD: "Class C0"). In summary, the available evidence is currently insufficient to determine the role of this variant in disease. Therefore, it has been classified as a Variant of Uncertain Significance.

NM_152383.5(DIS3L2):c.1396G>A (p.Val466Met)

Gene: DIS3L2 (DIS3 like 3'-5' exoribonuclease 2; plus strand). Cytogenetic location: 2q37.1.
Variant type: single nucleotide variant.
Coding change: c.1396G>A on transcript NM_152383.5 (MANE Select); coding-DNA position 1396, G replaced by A.
Protein change: p.Val466Met; replaces valine 466 with methionine.
Molecular consequence: missense variant. On other transcripts: non-coding transcript variant (2).
Genome position (GRCh38, 1-based): chr2:232,249,317, G>A. VCF-style: chr2-232249317-G-A. GRCh37 (hg19) VCF-style: chr2-233114027-G-A.
Other names: c.1396G>A, p.Val466Met (NM_001257281.2); short protein forms V466M.
Identifiers: ClinVar variation 848249 (VCV000848249.9), dbSNP rs774687794, ClinGen allele CA351155516.